The following is an entry in ClinVar:

NM_001170629.2(CHD8):c.3620del (p.Leu1207fs)

Gene: CHD8 (chromodomain helicase DNA binding protein 8; minus strand). Cytogenetic location: 14q11.2.
Variant type: Deletion.
Coding change: c.3620del on transcript NM_001170629.2 (MANE Select); coding-DNA position 3620, one base deleted (T; older notation c.3620delT).
Protein change: p.Leu1207fs; shifts the reading frame from leucine 1207.
Molecular consequence: frameshift variant.
Genome position (GRCh38, 1-based): chr14:21,403,111, A deleted on the plus strand (T on the coding strand, the reverse complement: CHD8 is on the minus strand). VCF-style (leftmost placement, unchanged base first): chr14-21403110-CA-C. GRCh37 (hg19) VCF-style: chr14-21871269-CA-C.
Other names: c.2783del, p.Leu928fs (NM_020920.4); short protein forms L1207fs, L928fs.
Identifiers: ClinVar variation 3775679 (VCV003775679.1).

ClinVar aggregate classification (germline): Likely pathogenic (1 of 4 stars; one submission).

Conditions:
Intellectual developmental disorder with autism and macrocephaly. Also called: Autism, susceptibility to, 18; CHD8-Related Neurodevelopmental Disorder with Overgrowth. Identifiers: Orphanet 642675, MedGen C3554373, MONDO:0014017, OMIM 615032.

Submission:

3billion
Classification: Likely pathogenic for Intellectual developmental disorder with autism and macrocephaly. Last evaluated: 2023-08-15. Review status: criteria provided, single submitter. Criteria: ACMG Guidelines, 2015. Collection method: clinical testing. Allele origin: germline. Affected: yes.
Comment: The variant is not observed in the gnomAD v2.1.1 dataset. Predicted Consequence/Location: Frameshift: predicted to result in a loss or disruption of normal protein function through nonsense-mediated decay (NMD) or protein truncation. Multiple pathogenic variants are reported downstream of the variant. Therefore, this variant is classified as Likely pathogenic according to the recommendation of ACMG/AMP guideline.